The following is an entry in ClinVar:

ClinVar aggregate classification (germline): Uncertain significance. Review status: criteria provided, multiple submitters, no conflicts (2 of 4 stars). 3 submissions from 3 submitters: Uncertain significance (3). Last evaluated 2026-07-30.

Conditions:
GRIN2D-related disorder. Also called: GRIN2D-related condition.

Allele frequency attached by ClinVar (database versions not stated): gnomAD exomes below 0.00001.
gnomAD v4.1: 1 of 1,213,666 alleles (0.000082%); highest among the groups gnomAD compares: Non-Finnish European, 0.0001%; no homozygotes.

Submissions (3):

PreventionGenetics, part of Exact Sciences
Classification: Uncertain significance for GRIN2D-related condition. Last evaluated: 2026-07-30. Review status: criteria provided, single submitter. Criteria: ACMG Guidelines, 2015. Collection method: clinical testing. Allele origin: germline.
Comment: The GRIN2D c.3750C>A variant is predicted to result in the amino acid substitution p.His1250Gln. To our knowledge, this variant has not been reported in the literature or in a large population database (gnomAD), indicating this variant is rare. At this time, the clinical significance of this variant is uncertain due to the absence of conclusive functional and genetic evidence.

GeneDx
Classification: Uncertain significance. Last evaluated: 2023-05-14. Review status: criteria provided, single submitter. Criteria: GeneDx Variant Classification Process June 2021. Collection method: clinical testing. Allele origin: germline. Affected: yes.
Comment: Not observed at significant frequency in large population cohorts (gnomAD); In silico analysis supports that this missense variant does not alter protein structure/function; Has not been previously published as pathogenic or benign to our knowledge

CeGaT Center for Human Genetics Tuebingen
Classification: Uncertain significance. Last evaluated: 2020-04-01. Review status: criteria provided, single submitter. Criteria: CeGaT Center For Human Genetics Tuebingen Variant Classification Criteria Version 2. Collection method: clinical testing. Allele origin: germline. Affected: yes. Observed: 1 variant allele.

NM_000836.4(GRIN2D):c.3750C>A (p.His1250Gln)

Gene: GRIN2D (glutamate ionotropic receptor NMDA type subunit 2D; plus strand). Cytogenetic location: 19q13.33.
Variant type: single nucleotide variant.
Coding change: c.3750C>A on transcript NM_000836.4 (MANE Select); coding-DNA position 3750, C replaced by A.
Protein change: p.His1250Gln; replaces histidine 1250 with glutamine.
Molecular consequence: missense variant.
Genome position (GRCh38, 1-based): chr19:48,443,676, C>A. VCF-style: chr19-48443676-C-A. GRCh37 (hg19) VCF-style: chr19-48946933-C-A.
Other names: c.3750C>A (NM_000836.2); short protein forms H1250Q.
Identifiers: ClinVar variation 932433 (VCV000932433.41), dbSNP rs1971338846, ClinGen allele CA406678008.